The following is an entry in ClinVar:

NM_004586.3(RPS6KA3):c.300G>T (p.Lys100Asn)

Gene: RPS6KA3 (ribosomal protein S6 kinase A3; minus strand). Cytogenetic location: Xp22.12.
Variant type: single nucleotide variant.
Coding change: c.300G>T on transcript NM_004586.3 (MANE Select); coding-DNA position 300, G replaced by T.
Protein change: p.Lys100Asn; replaces lysine 100 with asparagine.
Molecular consequence: missense variant.
Genome position (GRCh38, 1-based): chrX:20,204,047, C>A on the plus strand (G>T on the coding strand, the complement: RPS6KA3 is on the minus strand). VCF-style: chrX-20204047-C-A. GRCh37 (hg19) VCF-style: chrX-20222165-C-A.
Other names: short protein forms K100N.
Identifiers: ClinVar variation 2944359 (VCV002944359.3), dbSNP rs2519797898, ClinGen allele CA412511496.

ClinVar aggregate classification (germline): Uncertain significance (1 of 4 stars; one submission).

Conditions:
Intellectual developmental disorder, X-linked 19. Also called: Intellectual disability, X-linked 19. Identifiers: Orphanet 777, MedGen C0796225, MONDO:0010447, OMIM 300844.
Coffin-Lowry syndrome (CLS). Also called: COFFIN-LOWRY SYNDROME, MILD; Mental retardation with osteocartilaginous abnormalities. Identifiers: Orphanet 192, MedGen C0265252, MONDO:0010561, OMIM 303600.

Submission:

Labcorp Genetics (formerly Invitae), Labcorp
Classification: Uncertain significance for Coffin-Lowry syndrome; Intellectual developmental disorder, X-linked 19. Last evaluated: 2023-02-16. Review status: criteria provided, single submitter. Criteria: Invitae Variant Classification Sherloc (09022015). Collection method: clinical testing. Allele origin: germline.
Comment: In summary, the available evidence is currently insufficient to determine the role of this variant in disease. Therefore, it has been classified as a Variant of Uncertain Significance. Advanced modeling of protein sequence and biophysical properties (such as structural, functional, and spatial information, amino acid conservation, physicochemical variation, residue mobility, and thermodynamic stability) performed at Invitae indicates that this missense variant is expected to disrupt RPS6KA3 protein function. This variant has not been reported in the literature in individuals affected with RPS6KA3-related conditions. This variant is not present in population databases (gnomAD no frequency). This sequence change replaces lysine, which is basic and polar, with asparagine, which is neutral and polar, at codon 100 of the RPS6KA3 protein (p.Lys100Asn).